The following is an entry in ClinVar:

ClinVar aggregate classification (germline): Uncertain significance. Review status: criteria provided, multiple submitters, no conflicts (2 of 4 stars). 3 submissions from 3 submitters: Uncertain significance (3). Last evaluated 2021-08-30.

Conditions:
DNA ligase IV deficiency. Identifiers: Orphanet 99812, MedGen C1847827, MONDO:0011686, OMIM 606593.

Allele frequency attached by ClinVar (database versions not stated): gnomAD exomes below 0.00001; gnomAD 0.00001; TOPMed 0.00002.
gnomAD v4.1: 8 of 1,614,028 alleles (0.0005%); highest among the groups gnomAD compares: Non-Finnish European, 0.00068%; no homozygotes.

Submissions (3):

Labcorp Genetics (formerly Invitae), Labcorp
Classification: Uncertain significance for DNA ligase IV deficiency. Last evaluated: 2021-08-30. Review status: criteria provided, single submitter. Criteria: Invitae Variant Classification Sherloc (09022015). Collection method: clinical testing. Allele origin: germline.
Comment: This sequence change replaces glutamic acid with glutamine at codon 679 of the LIG4 protein (p.Glu679Gln). The glutamic acid residue is highly conserved and there is a small physicochemical difference between glutamic acid and glutamine. This variant is not present in population databases (ExAC no frequency). This variant has not been reported in the literature in individuals affected with LIG4-related conditions. ClinVar contains an entry for this variant (Variation ID: 435753). Algorithms developed to predict the effect of missense changes on protein structure and function are either unavailable or do not agree on the potential impact of this missense change (SIFT: "Tolerated"; PolyPhen-2: "Probably Damaging"; Align-GVGD: "Class C0"). In summary, the available evidence is currently insufficient to determine the role of this variant in disease. Therefore, it has been classified as a Variant of Uncertain Significance.

Blueprint Genetics
Classification: Uncertain significance. Last evaluated: 2020-04-16. Review status: criteria provided, single submitter. Criteria: ACMG Guidelines, 2015. Collection method: clinical testing. Allele origin: germline.

Genetic Services Laboratory, University of Chicago
Classification: Uncertain significance. Last evaluated: 2016-11-03. Review status: criteria provided, single submitter. Criteria: ACMG Guidelines, 2015. Collection method: clinical testing. Allele origin: germline. Affected: no.

NM_206937.2(LIG4):c.2035G>C (p.Glu679Gln)

Gene: LIG4 (DNA ligase 4; minus strand). Cytogenetic location: 13q33.3.
Variant type: single nucleotide variant.
Coding change: c.2035G>C on transcript NM_206937.2 (MANE Select); coding-DNA position 2035, G replaced by C.
Protein change: p.Glu679Gln; replaces glutamic acid 679 with glutamine.
Molecular consequence: missense variant.
Genome position (GRCh38, 1-based): chr13:108,209,234, C>G on the plus strand (G>C on the coding strand, the complement: LIG4 is on the minus strand). VCF-style: chr13-108209234-C-G. GRCh37 (hg19) VCF-style: chr13-108861582-C-G.
Other names: c.2035G>C, p.Glu679Gln (NM_001098268.2, NM_001352598.2, NM_001352599.2 and 6 more transcripts); c.1834G>C, p.Glu612Gln (NM_001330595.2); c.2071G>C, p.Glu691Gln (NM_001352604.2); short protein forms E679Q, E691Q, E612Q.
Identifiers: ClinVar variation 435753 (VCV000435753.12), dbSNP rs957569908, ClinGen allele CA256180199.
Genomic context (GRCh38, chr13:108,209,234, plus strand): 5'-AGTACGTGTCTGGGCCTGGATTTTGTACTATATAACCACCAAATTCTGCAATTCTGTTCT[C>G]CAGGTCAGGCTTTGGCTGGCTATCTGTTCCACTCATAACACAAAACTCTACATCTTCAAA-3'
Protein context (NP_996820.1, residues 669-689): GTDSQPKPDL[Glu679Gln]NRIAEFGGYI